The following is an entry in ClinVar:

ClinVar aggregate classification (germline): Uncertain significance (1 of 4 stars; one submission).

Conditions:
Hereditary cancer-predisposing syndrome. Also called: Tumor predisposition; Neoplastic Syndromes, Hereditary; Hereditary Cancer Syndrome; Hereditary neoplastic syndrome. Identifiers: Orphanet 140162, MedGen C0027672, MeSH D009386, MONDO:0015356.

Submission:

Ambry Genetics
Classification: Uncertain significance for Hereditary cancer-predisposing syndrome. Last evaluated: 2025-02-05. Review status: criteria provided, single submitter. Criteria: Ambry Variant Classification Scheme 2023. Collection method: clinical testing. Allele origin: germline.
Comment: The p.D249V variant (also known as c.746A>T), located in coding exon 7 of the PMS2 gene, results from an A to T substitution at nucleotide position 746. The aspartic acid at codon 249 is replaced by valine, an amino acid with highly dissimilar properties. This amino acid position is conserved. In addition, the in silico prediction for this alteration is inconclusive. Based on the available evidence, the clinical significance of this variant remains unclear.

NM_000535.7(PMS2):c.746A>T (p.Asp249Val)

Gene: PMS2 (PMS1 homolog 2, mismatch repair system component; minus strand). Cytogenetic location: 7p22.1.
Variant type: single nucleotide variant.
Coding change: c.746A>T on transcript NM_000535.7 (MANE Select); coding-DNA position 746, A replaced by T.
Protein change: p.Asp249Val; replaces aspartic acid 249 with valine.
Molecular consequence: missense variant. On other transcripts: 5 prime UTR variant (2), non-coding transcript variant (1), intron variant (3).
Genome position (GRCh38, 1-based): chr7:5,997,383, T>A on the plus strand (A>T on the coding strand, the complement: PMS2 is on the minus strand). VCF-style: chr7-5997383-T-A. GRCh37 (hg19) VCF-style: chr7-6037014-T-A.
Other names: c.341A>T, p.Asp114Val (NM_001322003.2, NM_001322004.2, NM_001322005.2 and 19 more transcripts); c.746A>T, p.Asp249Val (NM_001322006.2, NM_001322014.2, NM_001406870.1 and 3 more transcripts); c.428A>T, p.Asp143Val (NM_001322007.2, NM_001322008.2, NM_001406876.1 and 4 more transcripts); c.-188A>T (NM_001322011.2, NM_001322012.2); c.173A>T, p.Asp58Val (NM_001322013.2, NM_001406909.1); c.437A>T, p.Asp146Val (NM_001322015.2, NM_001406875.1, NM_001406877.1 and 6 more transcripts); c.932A>T, p.Asp311Val (NM_001406866.1); c.770A>T, p.Asp257Val (NM_001406868.1); and 7 more; short protein forms D114V, D143V, D311V, D78V, D146V, D213V, D58V, D193V.
Identifiers: ClinVar variation 3891005 (VCV003891005.1).